The following is an entry in ClinVar:

NM_001162501.2(TNRC6B):c.1360G>T (p.Glu454Ter)

Gene: TNRC6B (trinucleotide repeat containing adaptor 6B; plus strand). Cytogenetic location: 22q13.1.
Variant type: single nucleotide variant.
Coding change: c.1360G>T on transcript NM_001162501.2 (MANE Select); coding-DNA position 1360, G replaced by T.
Protein change: p.Glu454Ter; replaces glutamic acid 454 with a stop codon.
Molecular consequence: nonsense. On other transcripts: intron variant (1).
Genome position (GRCh38, 1-based): chr22:40,265,590, G>T. VCF-style: chr22-40265590-G-T. GRCh37 (hg19) VCF-style: chr22-40661594-G-T.
Other names: c.1360G>T, p.Glu454Ter (NM_015088.3); c.565+3417G>T (NM_001024843.2); short protein forms E454*.
Identifiers: ClinVar variation 4886422 (VCV004886422.2).

ClinVar aggregate classification (germline): Likely pathogenic (1 of 4 stars; one submission).

Submission:

Dasa
Classification: Likely pathogenic. Last evaluated: 2024-10-03. Review status: criteria provided, single submitter. Criteria: DASA Assertion Criteria. Collection method: clinical testing. Allele origin: germline.
Comment: NM_001162501.2(TNRC6B):c.1360G>T (p.Glu454*) is a nonsense variant in TNRC6B predicted to introduce a premature termination codon and is predicted to result in an absent or altered protein product. Loss of function is an established disease mechanism for TNRC6B (PMID: 25284784; PMID: 25363768; PMID: 27479843). Also, this variant is absent from population databases. Based on the currently available evidence, this variant is classified as likely pathogenic.

Literature cited by the submitters: PubMed 25284784; PubMed 25363768; PubMed 27479843.